The following is an entry in ClinVar:

NM_201384.3(PLEC):c.6807G>C (p.Glu2269Asp)

Gene: PLEC (plectin; minus strand). Cytogenetic location: 8q24.3.
Variant type: single nucleotide variant.
Coding change: c.6807G>C on transcript NM_201384.3 (MANE Select); coding-DNA position 6807, G replaced by C.
Protein change: p.Glu2269Asp; replaces glutamic acid 2269 with aspartic acid.
Molecular consequence: missense variant. On other transcripts: intron variant (1).
Genome position (GRCh38, 1-based): chr8:143,923,122, C>G on the plus strand (G>C on the coding strand, the complement: PLEC is on the minus strand). VCF-style: chr8-143923122-C-G. GRCh37 (hg19) VCF-style: chr8-144997290-C-G.
Other names: c.6888G>C, p.Glu2296Asp (NM_000445.5); c.6765G>C, p.Glu2255Asp (NM_201378.4); c.6741G>C, p.Glu2247Asp (NM_201379.3); c.7218G>C, p.Glu2406Asp (NM_201380.4); c.6711G>C, p.Glu2237Asp (NM_201381.3); c.6807G>C, p.Glu2269Asp (NM_201382.4); c.6819G>C, p.Glu2273Asp (NM_201383.3); c.4126-727G>C (NM_001410941.1); short protein forms E2237D, E2255D, E2406D, E2247D, E2273D, E2269D, E2296D.
Identifiers: ClinVar variation 3571676 (VCV003571676.1).

ClinVar aggregate classification (germline): Uncertain significance (1 of 4 stars; one submission).

Submission:

Athena Diagnostics
Classification: Uncertain significance. Last evaluated: 2024-05-07. Review status: criteria provided, single submitter. Criteria: Athena Diagnostics Criteria. Collection method: clinical testing. Allele origin: unknown.
Comment: Available data are insufficient to determine the clinical significance of the variant at this time. This variant has not been reported in large, multi-ethnic general populations. Polyphen and MutationTaster yielded discordant predictions regarding whether this amino acid change is damaging to the protein.